The following is an entry in ClinVar:

ClinVar aggregate classification (germline): Uncertain significance (1 of 4 stars; one submission).

Conditions:
Hereditary cancer-predisposing syndrome. Also called: Neoplastic Syndromes, Hereditary; Tumor predisposition; Hereditary Cancer Syndrome; Hereditary neoplastic syndrome. Identifiers: Orphanet 140162, MedGen C0027672, MeSH D009386, MONDO:0015356.

Submission:

Ambry Genetics
Classification: Uncertain significance for Hereditary cancer-predisposing syndrome. Last evaluated: 2025-11-05. Review status: criteria provided, single submitter. Criteria: Ambry Variant Classification Scheme 2023. Collection method: clinical testing. Allele origin: germline.
Comment: The p.D438N variant (also known as c.1312G>A), located in coding exon 14 of the CDC73 gene, results from a G to A substitution at nucleotide position 1312. The aspartic acid at codon 438 is replaced by asparagine, an amino acid with highly similar properties. This amino acid position is conserved. In addition, this alteration is predicted to be tolerated by in silico analysis. Based on the available evidence, the clinical significance of this variant remains unclear.

NM_024529.5(CDC73):c.1312G>A (p.Asp438Asn)

Gene: CDC73 (cell division cycle 73; plus strand). Cytogenetic location: 1q31.2.
Variant type: single nucleotide variant.
Coding change: c.1312G>A on transcript NM_024529.5 (MANE Select); coding-DNA position 1312, G replaced by A.
Protein change: p.Asp438Asn; replaces aspartic acid 438 with asparagine.
Molecular consequence: missense variant.
Genome position (GRCh38, 1-based): chr1:193,233,150, G>A. VCF-style: chr1-193233150-G-A. GRCh37 (hg19) VCF-style: chr1-193202280-G-A.
Other names: short protein forms D438N.
Identifiers: ClinVar variation 4631640 (VCV004631640.1).